The following is an entry in ClinVar:

NM_001371928.1(AHDC1):c.480C>T (p.Pro160=)

Gene: AHDC1 (AT-hook DNA binding motif containing 1; minus strand). Cytogenetic location: 1p36.11.
Variant type: single nucleotide variant.
Coding change: c.480C>T on transcript NM_001371928.1 (MANE Select); coding-DNA position 480, C replaced by T.
Protein change: p.Pro160=; no amino-acid change (proline 160 retained).
Molecular consequence: synonymous variant.
Genome position (GRCh38, 1-based): chr1:27,551,636, G>A on the plus strand (C>T on the coding strand, the complement: AHDC1 is on the minus strand). VCF-style: chr1-27551636-G-A. GRCh37 (hg19) VCF-style: chr1-27878147-G-A.
Other names: c.480C>T, p.Pro160= (NM_001029882.3); c.480C>T (NM_001029882.2).
Identifiers: ClinVar variation 729625 (VCV000729625.46), dbSNP rs147707628, ClinGen allele CA716144.

ClinVar aggregate classification (germline): Benign/Likely benign. Review status: criteria provided, multiple submitters, no conflicts (2 of 4 stars). 5 submissions from 5 submitters: Benign (2); Likely benign (3). Last evaluated 2026-08-01.

Conditions:
AHDC1-related intellectual disability - obstructive sleep apnea - mild dysmorphism syndrome. Also called: Xia-Gibbs syndrome. Identifiers: Orphanet 412069, MedGen C4014419, MONDO:0014358, OMIM 615829.

Allele frequency attached by ClinVar (database versions not stated): 1000 Genomes Project 30x 0.00031; 1000 Genomes Project 0.00040; gnomAD 0.00067; TOPMed 0.00067; ESP Exome Variant Server 0.00123.

Submissions (5):

CeGaT Center for Human Genetics Tuebingen
Classification: Likely benign. Last evaluated: 2026-08-01. Review status: criteria provided, single submitter. Criteria: CeGaT Center For Human Genetics Tuebingen Variant Classification Criteria Version 2. Collection method: clinical testing. Allele origin: germline. Affected: yes. Observed: 15 variant alleles.
Comment: AHDC1: BP4, BP7

Labcorp Genetics (formerly Invitae), Labcorp
Classification: Likely benign. Last evaluated: 2026-01-18. Review status: criteria provided, single submitter. Criteria: Invitae Variant Classification Sherloc (09022015). Collection method: clinical testing. Allele origin: germline.

Blueprint Genetics
Classification: Likely benign. Last evaluated: 2024-11-21. Review status: criteria provided, single submitter. Criteria: ACMG Guidelines, 2015. Collection method: clinical testing. Allele origin: germline.

Genome-Nilou Lab
Classification: Benign for AHDC1-related intellectual disability - obstructive sleep apnea - mild dysmorphism syndrome. Last evaluated: 2021-12-05. Review status: criteria provided, single submitter. Criteria: ACMG Guidelines, 2015. Collection method: clinical testing. Allele origin: germline. Affected: no.

GeneDx
Classification: Benign. Last evaluated: 2020-11-03. Review status: criteria provided, single submitter. Criteria: GeneDx Variant Classification Process June 2021. Collection method: clinical testing. Allele origin: germline. Affected: yes.